The following is an entry in ClinVar:

NM_000038.6(APC):c.5703C>T (p.Thr1901=)

Gene: APC (APC regulator of Wnt signaling pathway; plus strand). Cytogenetic location: 5q22.2.
Variant type: single nucleotide variant.
Coding change: c.5703C>T on transcript NM_000038.6 (MANE Select); coding-DNA position 5703, C replaced by T.
Protein change: p.Thr1901=; no amino-acid change (threonine 1901 retained).
Molecular consequence: synonymous variant.
Genome position (GRCh38, 1-based): chr5:112,841,297, C>T. VCF-style: chr5-112841297-C-T. GRCh37 (hg19) VCF-style: chr5-112176994-C-T.
Other names: c.5703C>T, p.Thr1901= (NM_001127510.3, NM_001354895.2); c.5649C>T, p.Thr1883= (NM_001127511.3); c.5757C>T, p.Thr1919= (NM_001354896.2); c.5733C>T, p.Thr1911= (NM_001354897.2); c.5628C>T, p.Thr1876= (NM_001354898.2); c.5619C>T, p.Thr1873= (NM_001354899.2); c.5580C>T, p.Thr1860= (NM_001354900.2); c.5526C>T, p.Thr1842= (NM_001354901.2); and 5 more.
Identifiers: ClinVar variation 926591 (VCV000926591.4), dbSNP rs1766016604, ClinGen allele CA446209385.

ClinVar aggregate classification (germline): Benign/Likely benign. Review status: criteria provided, multiple submitters, no conflicts (2 of 4 stars). 3 submissions from 3 submitters: Benign (1); Likely benign (2). Last evaluated 2024-06-14.

Conditions:
Hereditary cancer-predisposing syndrome. Also called: Neoplastic Syndromes, Hereditary; Tumor predisposition; Hereditary Cancer Syndrome; Hereditary neoplastic syndrome. Identifiers: Orphanet 140162, MedGen C0027672, MeSH D009386, MONDO:0015356.
Familial adenomatous polyposis 1 (FAP1). Also called: FAMILIAL ADENOMATOUS POLYPOSIS 1, ATTENUATED; POLYPOSIS, ADENOMATOUS INTESTINAL. Identifiers: MedGen C2713442, MONDO:0021056, OMIM 175100. Disease mechanism: loss of function.

Allele frequency attached by ClinVar (database versions not stated): gnomAD exomes below 0.00001.
gnomAD v4.1: 4 of 1,613,934 alleles (0.00025%); highest among the groups gnomAD compares: Non-Finnish European, 0.00034%; no homozygotes.

Submissions (3):

Ambry Genetics
Classification: Likely benign for Hereditary cancer-predisposing syndrome. Last evaluated: 2024-06-14. Review status: criteria provided, single submitter. Criteria: Ambry Variant Classification Scheme 2023. Collection method: clinical testing. Allele origin: germline.

Myriad Genetics, Inc.
Classification: Benign for Familial adenomatous polyposis 1. Last evaluated: 2024-04-02. Review status: criteria provided, single submitter. Criteria: Myriad Autosomal Dominant, Autosomal Recessive and X-Linked Classification Criteria (2023). Collection method: clinical testing. Allele origin: unknown.
Comment: This variant is considered benign. This variant is a silent/synonymous amino acid change and it is not expected to impact splicing.

Color Diagnostics, LLC DBA Color Health
Classification: Likely benign for Hereditary cancer-predisposing syndrome. Last evaluated: 2019-04-22. Review status: criteria provided, single submitter. Criteria: ACMG Guidelines, 2015. Collection method: clinical testing. Allele origin: germline.